The following is an entry in ClinVar:

ClinVar aggregate classification (germline): Pathogenic/Likely pathogenic. Review status: criteria provided, multiple submitters, no conflicts (2 of 4 stars). 4 submissions from 4 submitters: Pathogenic (2); Likely pathogenic (1). 1 of the submissions does not count toward it. Last evaluated 2025-08-20.

Conditions:
Bardet-Biedl syndrome (BBS). Identifiers: Orphanet 110, MedGen C0752166, MONDO:0015229.
Bardet-Biedl syndrome 10 (BBS10). Identifiers: Orphanet 110, MedGen C1859568, MONDO:0014438, OMIM 615987.

Allele frequency attached by ClinVar (database versions not stated): gnomAD exomes below 0.00001; gnomAD 0.00001; TOPMed 0.00001.

Submissions (4):

Natera, Inc.
Classification: Pathogenic for Bardet-Biedl syndrome type 10. Last evaluated: 2025-08-20. Review status: criteria provided, single submitter. Criteria: Natera Variant Classification Schema (03/2026). Collection method: clinical testing. Allele origin: germline.
Comment: The c.1184dup variant in BBS10 is a frameshift variant predicted to shift the reading frame beginning at codon 395 and leads to a stop codon 14 codons downstream. This variant is expected to result in nonsense mediated decay, truncation, or a dysfunctional protein product. This variant is rare in the general population with a frequency below the threshold expected for the associated phenotype(s). This variant has been observed in one or more individuals affected with the associated recessive disease, as either homozygous or compound heterozygous with a second variant (PMID: 35112343, 21209035). Additionally, this variant has been observed to segregate in affected family members (PMID: 21209035). Given the available evidence, this variant is classified as Pathogenic.

Labcorp Genetics (formerly Invitae), Labcorp
Classification: Pathogenic for Bardet-Biedl syndrome. Last evaluated: 2024-01-28. Review status: criteria provided, single submitter. Criteria: Invitae Variant Classification Sherloc (09022015). Collection method: clinical testing. Allele origin: germline.
Comment: This sequence change creates a premature translational stop signal (p.His395Glnfs*14) in the BBS10 gene. While this is not anticipated to result in nonsense mediated decay, it is expected to disrupt the last 329 amino acid(s) of the BBS10 protein. This variant is not present in population databases (gnomAD no frequency). This premature translational stop signal has been observed in individual(s) with Bardet-Biedl Syndrome (PMID: 21209035). ClinVar contains an entry for this variant (Variation ID: 188941). This variant disrupts a region of the BBS10 protein in which other variant(s) (p.Val707*) have been determined to be pathogenic (PMID: 20472660, 22773737, 25982971, 27486776). This suggests that this is a clinically significant region of the protein, and that variants that disrupt it are likely to be disease-causing. For these reasons, this variant has been classified as Pathogenic.

Women's Health and Genetics/Laboratory Corporation of America, LabCorp
Classification: Likely pathogenic for Bardet-Biedl syndrome. Last evaluated: 2020-02-09. Review status: criteria provided, single submitter. Criteria: LabCorp Variant Classification Summary - May 2015. Collection method: clinical testing. Allele origin: germline.
Comment: Variant summary: BBS10 c.1184dupA (p.His395GlnfsX14) results in a premature termination codon, predicted to cause a truncation of the encoded protein or absence of the protein due to nonsense mediated decay, which are commonly known mechanisms for disease. Truncations downstream of this position have been classified as pathogenic by our laboratory. The variant was absent in 251242 control chromosomes. c.1184dupA has been reported in the literature in at-least two individuals affected with Bardet-Biedl Syndrome (Feuillan_2011). These data indicate that the variant may be associated with disease. To our knowledge, no experimental evidence demonstrating an impact on protein function has been reported. No clinical diagnostic laboratories have submitted clinical-significance assessments for this variant to ClinVar after 2014. Based on the evidence outlined above, the variant was classified as likely pathogenic.

Counsyl
Classification: Likely pathogenic for Bardet-Biedl syndrome 10. Last evaluated: 2014-08-26. Review status: no assertion criteria provided. Collection method: literature only. Allele origin: unknown. Inheritance: Autosomal recessive inheritance. Not counted in ClinVar's aggregate classification.

Literature cited by the submitters: PubMed 35112343 (cited by Natera, Inc.); PubMed 21209035 (cited by 4 submitters); PubMed 20472660 (cited by Labcorp Genetics (formerly Invitae), Labcorp); PubMed 22773737 (cited by Labcorp Genetics (formerly Invitae), Labcorp); PubMed 25982971 (cited by Labcorp Genetics (formerly Invitae), Labcorp); PubMed 27486776 (cited by Labcorp Genetics (formerly Invitae), Labcorp); PubMed 16582908 (cited by Counsyl).

NM_024685.4(BBS10):c.1184dup (p.His395fs)

Gene: BBS10 (Bardet-Biedl syndrome 10; minus strand). Cytogenetic location: 12q21.2.
Variant type: Duplication.
Coding change: c.1184dup on transcript NM_024685.4 (MANE Select); coding-DNA position 1184, one base duplicated (A; older notation c.1184dupA).
Protein change: p.His395fs; shifts the reading frame from histidine 395.
Molecular consequence: frameshift variant.
Genome position (GRCh38, 1-based): chr12:76,346,801, T duplicated on the plus strand (A on the coding strand, the reverse complement: BBS10 is on the minus strand). VCF-style (leftmost placement, unchanged base first): chr12-76346800-G-GT. GRCh37 (hg19) VCF-style: chr12-76740580-G-GT.
Other names: c.1184dup, p.His395fs (LRG_1255t1); c.1184dupA (NM_024685.3); c.1184dup (NM_024685.3); short protein forms H395fs.
Identifiers: ClinVar variation 188941 (VCV000188941.12), dbSNP rs786204573, ClinGen allele CA274162.